The following is an entry in ClinVar:

ClinVar aggregate classification (germline): Uncertain significance (1 of 4 stars; one submission).

Submission:

Labcorp Genetics (formerly Invitae), Labcorp
Classification: Uncertain significance. Last evaluated: 2023-01-18. Review status: criteria provided, single submitter. Criteria: Invitae Variant Classification Sherloc (09022015). Collection method: clinical testing. Allele origin: germline.
Comment: In summary, the available evidence is currently insufficient to determine the role of this variant in disease. Therefore, it has been classified as a Variant of Uncertain Significance. Variants that disrupt the consensus splice site are a relatively common cause of aberrant splicing (PMID: 17576681, 9536098). Algorithms developed to predict the effect of sequence changes on RNA splicing suggest that this variant may disrupt the consensus splice site. This variant has not been reported in the literature in individuals affected with MFAP5-related conditions. This variant is not present in population databases (gnomAD no frequency). This sequence change falls in intron 8 of the MFAP5 gene. It does not directly change the encoded amino acid sequence of the MFAP5 protein. It affects a nucleotide within the consensus splice site.

Literature cited by the submitters: PubMed 17576681; PubMed 9536098.

NM_003480.4(MFAP5):c.335+3A>G

Gene: MFAP5 (microfibril associated protein 5; minus strand). Cytogenetic location: 12p13.31.
Variant type: single nucleotide variant.
Coding change: c.335+3A>G on transcript NM_003480.4 (MANE Select); 3 bases into the intron after coding-DNA position 335, A replaced by G.
Molecular consequence: intron variant.
Genome position (GRCh38, 1-based): chr12:8,650,499, T>C on the plus strand (A>G on the coding strand, the complement: MFAP5 is on the minus strand). VCF-style: chr12-8650499-T-C. GRCh37 (hg19) VCF-style: chr12-8803095-T-C.
Other names: c.269+3A>G (NM_001297710.2); c.260+3A>G (NM_001297711.2); c.218-2296A>G (NM_001297712.2); c.305+3A>G (NM_001297709.2).
Identifiers: ClinVar variation 2829992 (VCV002829992.3), dbSNP rs2540288362, ClinGen allele CA2739271843.